The following is an entry in ClinVar:

NM_001394062.1(MACF1):c.16518C>T (p.His5506=)

Gene: MACF1 (microtubule actin crosslinking factor 1; plus strand). Cytogenetic location: 1p34.3.
Variant type: single nucleotide variant.
Coding change: c.16518C>T on transcript NM_001394062.1 (MANE Select); coding-DNA position 16518, C replaced by T.
Protein change: p.His5506=; no amino-acid change (histidine 5506 retained).
Molecular consequence: synonymous variant. On other transcripts: intron variant (1).
Genome position (GRCh38, 1-based): chr1:39,428,002, C>T. VCF-style: chr1-39428002-C-T. GRCh37 (hg19) VCF-style: chr1-39893674-C-T.
Other names: c.10332C>T, p.His3444= (NM_012090.5); c.4872+388C>T (NM_001397473.1).
Identifiers: ClinVar variation 2498403 (VCV002498403.30), dbSNP rs776664681, ClinGen allele CA783379.

ClinVar aggregate classification (germline): Likely benign. Review status: criteria provided, multiple submitters, no conflicts (2 of 4 stars). 3 submissions from 3 submitters: Likely benign (3). Last evaluated 2025-09-13.

Conditions:
MACF1-related disorder. Also called: MACF1-related condition.

Allele frequency attached by ClinVar (database versions not stated): ExAC 0.00002; gnomAD 0.00005; TOPMed 0.00007; gnomAD exomes 0.00012.
gnomAD v4.1: 185 of 1,614,052 alleles (0.011%); highest among the groups gnomAD compares: Non-Finnish European, 0.015%; no homozygotes.

Submissions (3):

PreventionGenetics, part of Exact Sciences
Classification: Likely benign for MACF1-related condition. Last evaluated: 2025-09-13. Review status: criteria provided, single submitter. Criteria: ACMG Guidelines, 2015. Collection method: clinical testing. Allele origin: germline.
Comment: This variant is classified as likely benign based on ACMG/AMP sequence variant interpretation guidelines (Richards et al. 2015 PMID: 25741868, with internal and published modifications).

Blueprint Genetics
Classification: Likely benign. Last evaluated: 2023-12-04. Review status: criteria provided, single submitter. Criteria: ACMG Guidelines, 2015. Collection method: clinical testing. Allele origin: germline.

CeGaT Center for Human Genetics Tuebingen
Classification: Likely benign. Last evaluated: 2022-09-01. Review status: criteria provided, single submitter. Criteria: CeGaT Center For Human Genetics Tuebingen Variant Classification Criteria Version 2. Collection method: clinical testing. Allele origin: germline. Affected: yes. Observed: 1 variant allele.
Comment: MACF1: BP4, BP7